The following is an entry in ClinVar:

ClinVar aggregate classification (germline): Uncertain significance (1 of 4 stars; one submission).

Submission:

Labcorp Genetics (formerly Invitae), Labcorp
Classification: Uncertain significance. Last evaluated: 2025-10-20. Review status: criteria provided, single submitter. Criteria: Invitae Variant Classification Sherloc (09022015). Collection method: clinical testing. Allele origin: germline.
Comment: This sequence change replaces glutamine, which is neutral and polar, with arginine, which is basic and polar, at codon 173 of the CARD8 protein (p.Gln173Arg). This variant is not present in population databases (gnomAD no frequency). This variant has not been reported in the literature in individuals affected with CARD8-related conditions. ClinVar contains an entry for this variant (Variation ID: 1971440). An algorithm developed to predict the effect of missense changes on protein structure and function (PolyPhen-2) suggests that this variant is likely to be tolerated. In summary, the available evidence is currently insufficient to determine the role of this variant in disease. Therefore, it has been classified as a Variant of Uncertain Significance.

NM_001184900.3(CARD8):c.668A>G (p.Gln223Arg)

Gene: CARD8 (caspase recruitment domain family member 8; minus strand). Cytogenetic location: 19q13.33.
Variant type: single nucleotide variant.
Coding change: c.668A>G on transcript NM_001184900.3 (MANE Select); coding-DNA position 668, A replaced by G.
Protein change: p.Gln223Arg; replaces glutamine 223 with arginine.
Molecular consequence: missense variant. On other transcripts: non-coding transcript variant (4).
Genome position (GRCh38, 1-based): chr19:48,230,881, T>C on the plus strand (A>G on the coding strand, the complement: CARD8 is on the minus strand). VCF-style: chr19-48230881-T-C. GRCh37 (hg19) VCF-style: chr19-48734138-T-C.
Other names: c.518A>G, p.Gln173Arg (NM_001184901.1, NM_001351783.2, NM_001351788.2 and 2 more transcripts); c.668A>G, p.Gln223Arg (NM_001184902.2, NM_001184903.1, NM_001351782.2); c.353A>G, p.Gln118Arg (NM_001351784.2, NM_001351787.2, NM_001351791.2 and 2 more transcripts); c.332A>G, p.Gln111Arg (NM_001351786.2); c.425A>G, p.Gln142Arg (NM_001351790.2); short protein forms Q118R, Q223R, Q111R, Q173R, Q142R.
Identifiers: ClinVar variation 1971440 (VCV001971440.5), dbSNP rs2514727231, ClinGen allele CA406644447.